The following is an entry in ClinVar:

NM_004329.3(BMPR1A):c.884delinsGTTCATAGCGG (p.Asp295delinsGlySerTer)

Gene: BMPR1A (bone morphogenetic protein receptor type 1A; plus strand). Cytogenetic location: 10q23.2.
Variant type: Indel.
Coding change: c.884delinsGTTCATAGCGG on transcript NM_004329.3 (MANE Select); coding-DNA position 884, A replaced by GTTCATAGCGG.
Protein change: p.Asp295delinsGlySerTer.
Molecular consequence: nonsense.
Genome position (GRCh38, 1-based): chr10:86,919,187, A replaced by GTTCATAGCGG. VCF-style: chr10-86919187-A-GTTCATAGCGG. GRCh37 (hg19) VCF-style: chr10-88678944-A-GTTCATAGCGG.
Other names: c.884delAinsGTTCATAGCGG (NM_004329.2).
Identifiers: ClinVar variation 232787 (VCV000232787.5), dbSNP rs876659988, ClinGen allele CA10578889.

ClinVar aggregate classification (germline): Pathogenic (1 of 4 stars; one submission).

Conditions:
Hereditary cancer-predisposing syndrome. Also called: Neoplastic Syndromes, Hereditary; Tumor predisposition; Hereditary Cancer Syndrome; Hereditary neoplastic syndrome. Identifiers: Orphanet 140162, MedGen C0027672, MeSH D009386, MONDO:0015356.

Submission:

Ambry Genetics
Classification: Pathogenic for Hereditary cancer-predisposing syndrome. Last evaluated: 2015-07-01. Review status: criteria provided, single submitter. Criteria: Ambry Variant Classification Scheme 2023. Collection method: clinical testing. Allele origin: germline.
Comment: The c.884delAins11 pathogenic mutation, located in coding exon 8 of the BMPR1A gene, results from the deletion of one nucleotide and insertion of 11 nucleotides causing a translational frameshift with a predicted alternate stop codon. Since frameshifts are typically deleterious in nature, this alteration is interpreted as a disease-causing mutation (ACMG Recommendations for Standards for Interpretation and Reporting of Sequence Variations. Revision 2007. Genet Med. 2008;10:294).